The following is an entry in ClinVar:

ClinVar aggregate classification (germline): Pathogenic (1 of 4 stars; one submission).

Conditions:
Familial adenomatous polyposis 2. Also called: COLORECTAL ADENOMATOUS POLYPOSIS, AUTOSOMAL RECESSIVE; ADENOMAS, MULTIPLE COLORECTAL, AUTOSOMAL RECESSIVE; MUTYH-associated polyposis; MUTYH Polyposis; Adenomas, multiple colorectal; MUTYH-related attenuated familial adenomatous polyposis. Identifiers: Orphanet 220460, Orphanet 247798, MedGen C3272841, MONDO:0012041, OMIM 608456.

Submission:

Labcorp Genetics (formerly Invitae), Labcorp
Classification: Pathogenic for Familial adenomatous polyposis 2. Last evaluated: 2021-01-29. Review status: criteria provided, single submitter. Criteria: Invitae Variant Classification Sherloc (09022015). Collection method: clinical testing. Allele origin: germline.
Comment: This sequence change creates a premature translational stop signal (p.Lys418Phefs*37) in the MUTYH gene. It is expected to result in an absent or disrupted protein product. Loss-of-function variants in MUTYH are known to be pathogenic (PMID: 18534194, 20663686). This variant is not present in population databases (ExAC no frequency). This variant has not been reported in the literature in individuals with MUTYH-related conditions. For these reasons, this variant has been classified as Pathogenic.

Literature cited by the submitters: PubMed 18534194; PubMed 20663686.

NM_001048174.2(MUTYH):c.1160_1167dup (p.Lys390fs)

Gene: MUTYH (mutY DNA glycosylase; minus strand). Cytogenetic location: 1p34.1.
Variant type: Duplication.
Coding change: c.1160_1167dup on transcript NM_001048174.2 (MANE Select); coding-DNA positions 1160 to 1167, 8 bases duplicated (TTCAGCGC; older notation c.1160_1167dupTTCAGCGC).
Protein change: p.Lys390fs; shifts the reading frame from lysine 390.
Molecular consequence: frameshift variant. On other transcripts: non-coding transcript variant (2).
Genome position (GRCh38, 1-based): chr1:45,331,492-45,331,499, GCGCTGAA duplicated on the plus strand (TTCAGCGC on the coding strand, the reverse complement: MUTYH is on the minus strand); duplicating any 8 consecutive bases within chr1:45,331,492-45,331,501 gives the same sequence; the c. name uses the placement nearest the transcript's 3' end. VCF-style (leftmost placement, unchanged base first): chr1-45331491-T-TGCGCTGAA. GRCh37 (hg19) VCF-style: chr1-45797163-T-TGCGCTGAA.
Other names: c.1160_1167dup, p.Lys390fs (NM_001048171.2, NM_001048173.2, NM_001293195.2); c.1163_1170dup, p.Lys391fs (NM_001048172.2); c.1244_1251dup, p.Lys418fs (NM_001128425.2); c.1205_1212dup, p.Lys405fs (NM_001293190.2); c.1193_1200dup, p.Lys401fs (NM_001293191.2); c.884_891dup, p.Lys298fs (NM_001293192.2, NM_001293196.2); c.815_822dup, p.Lys275fs (NM_001350650.2, NM_001350651.2); c.1235_1242dup, p.Lys415fs (NM_012222.3); short protein forms K275fs, K298fs, K418fs, K390fs, K401fs, K391fs, K405fs, K415fs.
Identifiers: ClinVar variation 1452003 (VCV001452003.6), dbSNP rs2149120039, ClinGen allele CA2573132062.